The following is an entry in ClinVar:

ClinVar aggregate classification (germline): Uncertain significance (1 of 4 stars; one submission).

Conditions:
RAB23-related disorder. Also called: RAB23-related condition.

Submission:

PreventionGenetics, part of Exact Sciences
Classification: Uncertain significance for RAB23-related condition. Last evaluated: 2026-07-08. Review status: criteria provided, single submitter. Criteria: ACMG Guidelines, 2015. Collection method: clinical testing. Allele origin: germline.
Comment: The RAB23 c.619G>C variant is predicted to result in the amino acid substitution p.Gly207Arg. To our knowledge, this variant has not been reported in the literature or in a large population database (gnomAD), indicating this variant is rare. At this time, the clinical significance of this variant is uncertain due to the absence of conclusive functional and genetic evidence.

NM_016277.5(RAB23):c.619G>C (p.Gly207Arg)

Gene: RAB23 (RAB23, member RAS oncogene family; minus strand). Cytogenetic location: 6p12.1.
Variant type: single nucleotide variant.
Coding change: c.619G>C on transcript NM_016277.5 (MANE Select); coding-DNA position 619, G replaced by C.
Protein change: p.Gly207Arg; replaces glycine 207 with arginine.
Molecular consequence: missense variant. On other transcripts: non-coding transcript variant (1).
Genome position (GRCh38, 1-based): chr6:57,190,556, C>G on the plus strand (G>C on the coding strand, the complement: RAB23 is on the minus strand). VCF-style: chr6-57190556-C-G. GRCh37 (hg19) VCF-style: chr6-57055354-C-G.
Other names: c.619G>C, p.Gly207Arg (NM_001278666.2, NM_001278667.2, NM_001278668.2 and 1 more transcripts); short protein forms G207R.
Identifiers: ClinVar variation 5001442 (VCV005001442.1).